The following is an entry in ClinVar:

ClinVar aggregate classification (germline): Uncertain significance. Review status: criteria provided, multiple submitters, no conflicts (2 of 4 stars). 5 submissions from 5 submitters: Uncertain significance (5). Last evaluated 2026-07-21.

Conditions:
TTN-related disorder. Also called: TTN-related condition; TTN-related disease; TTN-related disorders.
Autosomal recessive limb-girdle muscular dystrophy type 2J (LGMDR10). Also called: MUSCULAR DYSTROPHY, LIMB-GIRDLE, AUTOSOMAL RECESSIVE 10; Limb-girdle muscular dystrophy, type 2J. Identifiers: Orphanet 140922, MedGen C1837342, MONDO:0012127, OMIM 608807.
Dilated cardiomyopathy 1G (CMD1G). Identifiers: Orphanet 154, MedGen C1858763, MONDO:0011400, OMIM 604145.
Hypertrophic cardiomyopathy 9. Also called: Familial hypertrophic cardiomyopathy 9. Identifiers: MedGen C1861065, MONDO:0013412, OMIM 613765.
Early-onset myopathy with fatal cardiomyopathy (CMYO5). Also called: CONGENITAL MYOPATHY 5 WITH CARDIOMYOPATHY; Salih Myopathy. Identifiers: Orphanet 289377, MedGen C2673677, MONDO:0012714, OMIM 611705. Disease mechanism: loss of function.
Myopathy, myofibrillar, 9, with early respiratory failure (MFM9). Also called: Myopathy, distal, with early respiratory failure, autosomal dominant; EDSTROM MYOPATHY; MYOPATHY, PROXIMAL, WITH EARLY RESPIRATORY MUSCLE INVOLVEMENT; Hereditary myopathy with early respiratory failure. Identifiers: Orphanet 178464, Orphanet 34521, MedGen C1863599, MONDO:0011362, OMIM 603689.
Tibial muscular dystrophy (TMD). Also called: Tibial muscular dystrophy, tardive; UDD MYOPATHY; Udd Distal Myopathy – Tibial Muscular Dystrophy. Identifiers: Orphanet 609, MedGen C1838244, MONDO:0010870, OMIM 600334.

Allele frequency attached by ClinVar (database versions not stated): gnomAD 0.00002 and 0.00003; TOPMed 0.00003.
gnomAD v4.1: 45 of 1,613,908 alleles (0.0028%); highest among the groups gnomAD compares: Non-Finnish European, 0.0035%; no homozygotes.

Submissions (5):

PreventionGenetics, part of Exact Sciences
Classification: Uncertain significance for TTN-related condition. Last evaluated: 2026-07-21. Review status: criteria provided, single submitter. Criteria: ACMG Guidelines, 2015. Collection method: clinical testing. Allele origin: germline.
Comment: The TTN c.6304G>T variant is predicted to result in the amino acid substitution p.Val2102Leu. To our knowledge, this variant has not been reported in the literature. This variant is reported in 0.00088% of alleles in individuals of European (Non-Finnish) descent in gnomAD. At this time, the clinical significance of this variant is uncertain due to the absence of conclusive functional and genetic evidence.

Women's Health and Genetics/Laboratory Corporation of America, LabCorp
Classification: Uncertain significance. Last evaluated: 2026-06-13. Review status: criteria provided, single submitter. Criteria: LabCorp Variant Classification Summary - May 2015. Collection method: clinical testing. Allele origin: germline.
Comment: Variant summary: TTN c.6304G>T (p.Val2102Leu), also known as, results in a conservative amino acid change in the encoded protein sequence. Algorithms developed to predict the effect of missense changes on protein structure and function are either unavailable or do not agree on the potential impact of this missense change. The variant allele was found at a frequency of 4e-06 in 250722 control chromosomes. The available data on variant occurrences in the general population are insufficient to allow any conclusion about variant significance. To our knowledge, no occurrence of c.6304G>T in individuals affected with TTN-related conditions and no experimental evidence demonstrating its impact on protein function have been reported. ClinVar contains an entry for this variant (Variation ID: 238821). Based on the evidence outlined above, the variant was classified as uncertain significance.

Revvity Omics, Revvity
Classification: Uncertain significance. Last evaluated: 2023-07-11. Review status: criteria provided, single submitter. Criteria: ACMG Guidelines, 2015. Collection method: clinical testing. Allele origin: germline.

Fulgent Genetics
Classification: Uncertain significance for Tibial muscular dystrophy; Myopathy, myofibrillar, 9, with early respiratory failure; Dilated cardiomyopathy 1G; Autosomal recessive limb-girdle muscular dystrophy type 2J; Early-onset myopathy with fatal cardiomyopathy; Hypertrophic cardiomyopathy 9. Last evaluated: 2021-08-18. Review status: criteria provided, single submitter. Criteria: ACMG Guidelines, 2015. Collection method: clinical testing. Allele origin: unknown.

Labcorp Genetics (formerly Invitae), Labcorp
Classification: Uncertain significance for Dilated cardiomyopathy 1G; Autosomal recessive limb-girdle muscular dystrophy type 2J. Last evaluated: 2016-03-27. Review status: criteria provided, single submitter. Criteria: Invitae Variant Classification Sherloc (09022015). Collection method: clinical testing. Allele origin: germline.

NM_001267550.2(TTN):c.6304G>T (p.Val2102Leu)

Gene: TTN (titin; minus strand). Cytogenetic location: 2q31.2.
Variant type: single nucleotide variant.
Coding change: c.6304G>T on transcript NM_001267550.2 (MANE Select); coding-DNA position 6304, G replaced by T.
Protein change: p.Val2102Leu; replaces valine 2102 with leucine.
Molecular consequence: missense variant.
Genome position (GRCh38, 1-based): chr2:178,775,560, C>A on the plus strand (G>T on the coding strand, the complement: TTN is on the minus strand). VCF-style: chr2-178775560-C-A. GRCh37 (hg19) VCF-style: chr2-179640287-C-A.
Other names: c.6304G>T, p.Val2102Leu (NM_001256850.1, NM_133378.4, NM_133379.5); c.6166G>T, p.Val2056Leu (NM_003319.4, NM_133432.3, NM_133437.4); short protein forms V2102L, V2056L.
Identifiers: ClinVar variation 238821 (VCV000238821.9), dbSNP rs767322897, ClinGen allele CA10581903.